The following is an entry in ClinVar:

NM_001145715.3(KPNA7):c.629C>T (p.Thr210Ile)

Gene: KPNA7 (karyopherin subunit alpha 7; minus strand). Cytogenetic location: 7q22.1.
Variant type: single nucleotide variant.
Coding change: c.629C>T on transcript NM_001145715.3 (MANE Select); coding-DNA position 629, C replaced by T.
Protein change: p.Thr210Ile; replaces threonine 210 with isoleucine.
Molecular consequence: missense variant.
Genome position (GRCh38, 1-based): chr7:99,193,026, G>A on the plus strand (C>T on the coding strand, the complement: KPNA7 is on the minus strand). VCF-style: chr7-99193026-G-A. GRCh37 (hg19) VCF-style: chr7-98790649-G-A.
Other names: short protein forms T210I.
Identifiers: ClinVar variation 1522127 (VCV001522127.7), dbSNP rs930903825, ClinGen allele CA163746370.

ClinVar aggregate classification (germline): Uncertain significance (1 of 4 stars; one submission).

Allele frequency attached by ClinVar (database versions not stated): gnomAD 0.00003; TOPMed 0.00003.
gnomAD v4.1: 6 of 1,500,682 alleles (0.0004%); highest among the groups gnomAD compares: African/African-American, 0.0072%; no homozygotes.

Submission:

Labcorp Genetics (formerly Invitae), Labcorp
Classification: Uncertain significance. Last evaluated: 2024-02-23. Review status: criteria provided, single submitter. Criteria: Invitae Variant Classification Sherloc (09022015). Collection method: clinical testing. Allele origin: germline.
Comment: This sequence change replaces threonine, which is neutral and polar, with isoleucine, which is neutral and non-polar, at codon 210 of the KPNA7 protein (p.Thr210Ile). This variant is present in population databases (no rsID available, gnomAD 0.01%). This variant has not been reported in the literature in individuals affected with KPNA7-related conditions. ClinVar contains an entry for this variant (Variation ID: 1522127). Advanced modeling of protein sequence and biophysical properties (such as structural, functional, and spatial information, amino acid conservation, physicochemical variation, residue mobility, and thermodynamic stability) performed at Invitae indicates that this missense variant is not expected to disrupt KPNA7 protein function with a negative predictive value of 80%. In summary, the available evidence is currently insufficient to determine the role of this variant in disease. Therefore, it has been classified as a Variant of Uncertain Significance.